The following is an entry in ClinVar:

NM_000169.3(GLA):c.85G>C (p.Ala29Pro)

Genes: GLA (galactosidase alpha; minus strand), RPL36A-HNRNPH2 (RPL36A-HNRNPH2 readthrough; plus strand). Cytogenetic location: Xq22.1.
Variant type: single nucleotide variant.
Coding change: c.85G>C on transcript NM_000169.3 (MANE Select); coding-DNA position 85, G replaced by C.
Protein change: p.Ala29Pro; replaces alanine 29 with proline.
Molecular consequence: missense variant. On other transcripts: non-coding transcript variant (3), intron variant (2).
Genome position (GRCh38, 1-based): chrX:101,407,819, C>G on the plus strand (G>C on the coding strand, the complement: GLA is on the minus strand). VCF-style: chrX-101407819-C-G. GRCh37 (hg19) VCF-style: chrX-100662807-C-G.
Other names: c.85G>C, p.Ala29Pro (NM_001406747.1, NM_001406748.1, NM_001406749.1); c.301-4117C>G (NM_001199973.2); c.178-4117C>G (NM_001199974.2); short protein forms A29P.
Identifiers: ClinVar variation 2757372 (VCV002757372.3), dbSNP rs142449183, ClinGen allele CA413937484.

ClinVar aggregate classification (germline): Uncertain significance (1 of 4 stars; one submission).

Conditions:
Fabry disease. Also called: Fabry's disease; ALPHA-GALACTOSIDASE A DEFICIENCY; ANDERSON-FABRY DISEASE; CERAMIDE TRIHEXOSIDASE DEFICIENCY; GLA DEFICIENCY; HEREDITARY DYSTOPIC LIPIDOSIS. Identifiers: Orphanet 324, MedGen C0002986, MONDO:0010526, OMIM 301500, HP:0001071. Disease mechanism: Fabry disease is due to inactivating mutations in the X-linked GLA gene resulting in deficiency of the enzyme Alpha Galactosidase-A., loss of function.

Submission:

Labcorp Genetics (formerly Invitae), Labcorp
Classification: Uncertain significance for Fabry disease. Last evaluated: 2023-09-01. Review status: criteria provided, single submitter. Criteria: Invitae Variant Classification Sherloc (09022015). Collection method: clinical testing. Allele origin: germline.
Comment: In summary, the available evidence is currently insufficient to determine the role of this variant in disease. Therefore, it has been classified as a Variant of Uncertain Significance. Advanced modeling of protein sequence and biophysical properties (such as structural, functional, and spatial information, amino acid conservation, physicochemical variation, residue mobility, and thermodynamic stability) performed at Invitae indicates that this missense variant is not expected to disrupt GLA protein function. This sequence change replaces alanine, which is neutral and non-polar, with proline, which is neutral and non-polar, at codon 29 of the GLA protein (p.Ala29Pro). This variant is not present in population databases (gnomAD no frequency). This variant has not been reported in the literature in individuals affected with GLA-related conditions.